The following is an entry in ClinVar:

ClinVar aggregate classification (germline): Uncertain significance. Review status: criteria provided, multiple submitters, no conflicts (2 of 4 stars). 3 submissions from 3 submitters: Uncertain significance (3). Last evaluated 2024-09-13.

Conditions:
Inborn genetic diseases. Identifiers: MedGen C0950123, MeSH D030342.

Allele frequency attached by ClinVar (database versions not stated): ExAC 0.00001; gnomAD 0.00001.
gnomAD v4.1: 10 of 1,613,368 alleles (0.00062%); highest among the groups gnomAD compares: Non-Finnish European, 0.00085%; no homozygotes.

Submissions (3):

Blueprint Genetics
Classification: Uncertain significance. Last evaluated: 2024-09-13. Review status: criteria provided, single submitter. Criteria: ACMG Guidelines, 2015. Collection method: clinical testing. Allele origin: germline.

Labcorp Genetics (formerly Invitae), Labcorp
Classification: Uncertain significance. Last evaluated: 2024-04-08. Review status: criteria provided, single submitter. Criteria: Invitae Variant Classification Sherloc (09022015). Collection method: clinical testing. Allele origin: germline.
Comment: This sequence change replaces threonine, which is neutral and polar, with alanine, which is neutral and non-polar, at codon 611 of the ATR protein (p.Thr611Ala). This variant is present in population databases (rs752930353, gnomAD 0.003%). This variant has not been reported in the literature in individuals affected with ATR-related conditions. ClinVar contains an entry for this variant (Variation ID: 1780962). An algorithm developed to predict the effect of missense changes on protein structure and function (PolyPhen-2) suggests that this variant is likely to be tolerated. In summary, the available evidence is currently insufficient to determine the role of this variant in disease. Therefore, it has been classified as a Variant of Uncertain Significance.

Ambry Genetics
Classification: Uncertain significance for Inborn genetic diseases. Last evaluated: 2022-10-24. Review status: criteria provided, single submitter. Criteria: Ambry Variant Classification Scheme 2023. Collection method: clinical testing. Allele origin: germline.
Comment: The p.T611A variant (also known as c.1831A>G), located in coding exon 8 of the ATR gene, results from an A to G substitution at nucleotide position 1831. The threonine at codon 611 is replaced by alanine, an amino acid with similar properties. This amino acid position is conserved. In addition, this alteration is predicted to be tolerated by in silico analysis. Since supporting evidence is limited at this time, the clinical significance of this alteration remains unclear.

NM_001184.4(ATR):c.1831A>G (p.Thr611Ala)

Gene: ATR (ATR checkpoint kinase; minus strand). Cytogenetic location: 3q23.
Variant type: single nucleotide variant.
Coding change: c.1831A>G on transcript NM_001184.4 (MANE Select); coding-DNA position 1831, A replaced by G.
Protein change: p.Thr611Ala; replaces threonine 611 with alanine.
Molecular consequence: missense variant.
Genome position (GRCh38, 1-based): chr3:142,558,678, T>C on the plus strand (A>G on the coding strand, the complement: ATR is on the minus strand). VCF-style: chr3-142558678-T-C. GRCh37 (hg19) VCF-style: chr3-142277520-T-C.
Other names: c.1639A>G, p.Thr547Ala (NM_001354579.2); short protein forms T611A, T547A.
Identifiers: ClinVar variation 1780962 (VCV001780962.6), dbSNP rs752930353, ClinGen allele CA2650507.